The following is an entry in ClinVar:

NM_138370.3(PKDCC):c.639G>A (p.Gln213=)

Genes: PKDCC (protein kinase domain containing, cytoplasmic; plus strand), LOC129933566 (ATAC-STARR-seq lymphoblastoid active region 15635; plus strand). Cytogenetic location: 2p21.
Variant type: single nucleotide variant.
Coding change: c.639G>A on transcript NM_138370.3 (MANE Select); coding-DNA position 639, G replaced by A.
Protein change: p.Gln213=; no amino-acid change (glutamine 213 retained).
Molecular consequence: synonymous variant.
Genome position (GRCh38, 1-based): chr2:42,048,838, G>A. VCF-style: chr2-42048838-G-A. GRCh37 (hg19) VCF-style: chr2-42275978-G-A.
Identifiers: ClinVar variation 1487648 (VCV001487648.6), dbSNP rs1427972419, ClinGen allele CA425868289.

ClinVar aggregate classification (germline): Uncertain significance (1 of 4 stars; one submission).

Submission:

Labcorp Genetics (formerly Invitae), Labcorp
Classification: Uncertain significance. Last evaluated: 2022-06-27. Review status: criteria provided, single submitter. Criteria: Invitae Variant Classification Sherloc (09022015). Collection method: clinical testing. Allele origin: germline.
Comment: In summary, the available evidence is currently insufficient to determine the role of this variant in disease. Therefore, it has been classified as a Variant of Uncertain Significance. Variants that disrupt the consensus splice site are a relatively common cause of aberrant splicing (PMID: 17576681, 9536098). Algorithms developed to predict the effect of sequence changes on RNA splicing suggest that this variant is not likely to affect RNA splicing. This variant has not been reported in the literature in individuals affected with PKDCC-related conditions. This variant is not present in population databases (gnomAD no frequency). This sequence change affects codon 213 of the PKDCC mRNA. It is a 'silent' change, meaning that it does not change the encoded amino acid sequence of the PKDCC protein. This variant also falls at the last nucleotide of exon 1, which is part of the consensus splice site for this exon.

Literature cited by the submitters: PubMed 17576681; PubMed 9536098.